The following is an entry in ClinVar:

ClinVar aggregate classification (germline): Benign/Likely benign. Review status: criteria provided, multiple submitters, no conflicts (2 of 4 stars). 3 submissions from 3 submitters: Benign (1); Likely benign (2). Last evaluated 2024-12-30.

Conditions:
Mismatch repair cancer syndrome 3. Identifiers: MedGen C5436807, MONDO:0030841, OMIM 619097.
Hereditary cancer-predisposing syndrome. Also called: Neoplastic Syndromes, Hereditary; Hereditary Cancer Syndrome; Hereditary neoplastic syndrome; Tumor predisposition. Identifiers: Orphanet 140162, MedGen C0027672, MeSH D009386, MONDO:0015356.
Lynch syndrome 5 (LYNCH5). Also called: Colorectal cancer, hereditary nonpolyposis, type 5; Hereditary non-polyposis colorectal cancer, type 5. Identifiers: Orphanet 144, MedGen C1833477, MONDO:0013710, OMIM 614350. Disease mechanism: loss of function.

Submissions (3):

Myriad Genetics, Inc.
Classification: Benign for Lynch syndrome 5. Last evaluated: 2024-12-30. Review status: criteria provided, single submitter. Criteria: Myriad Autosomal Dominant, Autosomal Recessive and X-Linked Classification Criteria (2023). Collection method: clinical testing. Allele origin: unknown.
Comment: This variant is considered benign. This variant is a silent/synonymous amino acid change and it is not expected to impact splicing.

Department of Pathology and Laboratory Medicine, Sinai Health System
Classification: Likely benign for Mismatch repair cancer syndrome 3. Last evaluated: 2024-02-26. Review status: criteria provided, single submitter. Criteria: ACMG Guidelines, 2015. Collection method: clinical testing. Allele origin: germline. Affected: yes.

Ambry Genetics
Classification: Likely benign for Hereditary cancer-predisposing syndrome. Last evaluated: 2023-04-30. Review status: criteria provided, single submitter. Criteria: Ambry Variant Classification Scheme 2023. Collection method: clinical testing. Allele origin: germline.

NM_000179.3(MSH6):c.2220A>G (p.Leu740=)

Gene: MSH6 (mutS homolog 6; plus strand). Cytogenetic location: 2p16.3.
Variant type: single nucleotide variant.
Coding change: c.2220A>G on transcript NM_000179.3 (MANE Select); coding-DNA position 2220, A replaced by G.
Protein change: p.Leu740=; no amino-acid change (leucine 740 retained).
Molecular consequence: synonymous variant. On other transcripts: non-coding transcript variant (5), intron variant (2).
Genome position (GRCh38, 1-based): chr2:47,800,203, A>G. VCF-style: chr2-47800203-A-G. GRCh37 (hg19) VCF-style: chr2-48027342-A-G.
Other names: c.1830A>G, p.Leu610= (NM_001281492.2); c.1314A>G, p.Leu438= (NM_001281493.2, NM_001281494.2, NM_001406811.1 and 6 more transcripts); c.2316A>G, p.Leu772= (NM_001406795.1, NM_001406802.1); c.2220A>G, p.Leu740= (NM_001406796.1, NM_001406798.1, NM_001406800.1 and 3 more transcripts); c.1923A>G, p.Leu641= (NM_001406797.1, NM_001406801.1, NM_001406805.1 and 10 more transcripts); c.1695A>G, p.Leu565= (NM_001406799.1, NM_001406806.1, NM_001406807.1); c.2142A>G, p.Leu714= (NM_001406804.1); c.2226A>G, p.Leu742= (NM_001406813.1); and 3 more.
Identifiers: ClinVar variation 2561261 (VCV002561261.4), dbSNP rs2104394796, ClinGen allele CA426121326.